The following is an entry in ClinVar:

ClinVar aggregate classification (germline): Pathogenic (1 of 4 stars; one submission).

Conditions:
Wilson disease (WND). Also called: Wilson's disease. Identifiers: Orphanet 905, MedGen C0019202, MONDO:0010200, OMIM 277900. Disease mechanism: loss of function.

Submission:

Labcorp Genetics (formerly Invitae), Labcorp
Classification: Pathogenic for Wilson disease. Last evaluated: 2021-12-08. Review status: criteria provided, single submitter. Criteria: Invitae Variant Classification Sherloc (09022015). Collection method: clinical testing. Allele origin: germline.
Comment: Algorithms developed to predict the effect of sequence changes on RNA splicing suggest that this variant may create or strengthen a splice site. This sequence change creates a premature translational stop signal (p.Thr1288Argfs*25) in the ATP7B gene. It is expected to result in an absent or disrupted protein product. Loss-of-function variants in ATP7B are known to be pathogenic (PMID: 10441329, 16283883). This variant is not present in population databases (gnomAD no frequency). This variant has not been reported in the literature in individuals affected with ATP7B-related conditions. For these reasons, this variant has been classified as Pathogenic.

Literature cited by the submitters: PubMed 10441329; PubMed 16283883.

NM_000053.4(ATP7B):c.3835_3862dup (p.Thr1288fs)

Gene: ATP7B (ATPase copper transporting beta; minus strand). Cytogenetic location: 13q14.3.
Variant type: Duplication.
Coding change: c.3835_3862dup on transcript NM_000053.4 (MANE Select); coding-DNA positions 3835 to 3862, 28 bases duplicated (GACATGGGTGTGGCCATTGGCACCGGCA).
Protein change: p.Thr1288fs; shifts the reading frame from threonine 1288.
Molecular consequence: frameshift variant.
Genome position (GRCh38, 1-based): chr13:51,937,517-51,937,544, TGCCGGTGCCAATGGCCACACCCATGTC duplicated on the plus strand (GACATGGGTGTGGCCATTGGCACCGGCA on the coding strand, the reverse complement: ATP7B is on the minus strand); duplicating any 28 consecutive bases within chr13:51,937,517-51,937,548 gives the same sequence; the c. name uses the placement nearest the transcript's 3' end. VCF-style (leftmost placement, unchanged base first): chr13-51937516-G-GTGCCGGTGCCAATGGCCACACCCATGTC. GRCh37 (hg19) VCF-style: chr13-52511652-G-GTGCCGGTGCCAATGGCCACACCCATGTC.
Other names: c.3214_3241dup, p.Thr1081fs (NM_001005918.3); c.3502_3529dup, p.Thr1177fs (NM_001243182.2); c.3601_3628dup, p.Thr1210fs (NM_001330578.2); c.3583_3610dup, p.Thr1204fs (NM_001330579.2); short protein forms T1081fs, T1288fs, T1177fs, T1204fs, T1210fs.
Identifiers: ClinVar variation 1380637 (VCV001380637.6), dbSNP rs2138574560, ClinGen allele CA2573149695.